The following is an entry in ClinVar:

NM_014363.6(SACS):c.8141C>T (p.Ser2714Leu)

Gene: SACS (sacsin molecular chaperone; minus strand). Cytogenetic location: 13q12.12.
Variant type: single nucleotide variant.
Coding change: c.8141C>T on transcript NM_014363.6 (MANE Select); coding-DNA position 8141, C replaced by T.
Protein change: p.Ser2714Leu; replaces serine 2714 with leucine.
Molecular consequence: missense variant.
Genome position (GRCh38, 1-based): chr13:23,335,735, G>A on the plus strand (C>T on the coding strand, the complement: SACS is on the minus strand). VCF-style: chr13-23335735-G-A. GRCh37 (hg19) VCF-style: chr13-23909874-G-A.
Other names: c.7700C>T, p.Ser2567Leu (NM_001278055.2); short protein forms S2714L, S2567L.
Identifiers: ClinVar variation 527993 (VCV000527993.13), dbSNP rs762610527, ClinGen allele CA6910816.
Genomic context (GRCh38, chr13:23,335,735, plus strand): 5'-CCATCTGAGCGCAGTTTGTCCAAAAGATTCTGGACCATTCTGTCTGATGCTGGAACAGAC[G>A]AAATTTCCGAAACTTTTGCCATTTCTGCATTACGAAGAGGAAATCTGAACATTGTGCAAT-3'
Protein context (NP_055178.3, residues 2704-2724): NAEMAKVSEI[Ser2714Leu]SVPASDRMVQ

ClinVar aggregate classification (germline): Uncertain significance. Review status: criteria provided, multiple submitters, no conflicts (2 of 4 stars). 4 submissions from 4 submitters: Uncertain significance (3). 1 of the submissions does not count toward it. Last evaluated 2023-10-18.

Conditions:
Spastic paraplegia. Identifiers: MedGen C0037772, HP:0001258.
Hereditary spastic paraplegia. Also called: Familial spastic paraparesis. Identifiers: Orphanet 685, MedGen C0037773, MONDO:0019064. Disease mechanism: loss of function.
Charlevoix-Saguenay spastic ataxia (SACS). Also called: SPASTIC ATAXIA 6, AUTOSOMAL RECESSIVE; Spastic ataxia of Charlevoix-Saguenay; AUTOSOMAL RECESSIVE SPASTIC ATAXIA OF CHARLEVOIX-SAGUENAY. Identifiers: Orphanet 98, MedGen C1849140, MONDO:0010041, OMIM 270550.

Allele frequency attached by ClinVar (database versions not stated): gnomAD 0.00001; ExAC 0.00002; gnomAD exomes 0.00002; TOPMed 0.00002.
gnomAD v4.1: 25 of 1,613,864 alleles (0.0015%); highest among the groups gnomAD compares: Admixed American, 0.005%; no homozygotes.

Submissions (4):

Blueprint Genetics
Classification: Uncertain significance. Last evaluated: 2023-10-18. Review status: criteria provided, single submitter. Criteria: ACMG Guidelines, 2015. Collection method: clinical testing. Allele origin: germline.

Labcorp Genetics (formerly Invitae), Labcorp
Classification: Uncertain significance for Spastic paraplegia. Last evaluated: 2022-06-04. Review status: criteria provided, single submitter. Criteria: Invitae Variant Classification Sherloc (09022015). Collection method: clinical testing. Allele origin: germline.
Comment: This sequence change replaces serine, which is neutral and polar, with leucine, which is neutral and non-polar, at codon 2714 of the SACS protein (p.Ser2714Leu). This variant is present in population databases (rs762610527, gnomAD 0.006%). This variant has not been reported in the literature in individuals affected with SACS-related conditions. ClinVar contains an entry for this variant (Variation ID: 527993). Algorithms developed to predict the effect of missense changes on protein structure and function are either unavailable or do not agree on the potential impact of this missense change (SIFT: "Deleterious"; PolyPhen-2: "Probably Damaging"; Align-GVGD: "Class C0"). In summary, the available evidence is currently insufficient to determine the role of this variant in disease. Therefore, it has been classified as a Variant of Uncertain Significance.

Genome Diagnostics Laboratory, The Hospital for Sick Children
Classification: Uncertain significance for Hereditary spastic paraplegia. Last evaluated: 2021-12-20. Review status: criteria provided, single submitter. Criteria: ACMG Guidelines, 2015. Collection method: clinical testing. Allele origin: germline. Affected: yes.

Natera, Inc.
Classification: Uncertain significance for Charlevoix-Saguenay type spastic ataxia. Last evaluated: 2021-03-24. Review status: no assertion criteria provided. Collection method: clinical testing. Allele origin: germline. Not counted in ClinVar's aggregate classification.